The following is an entry in ClinVar:

ClinVar aggregate classification (germline): Uncertain significance (1 of 4 stars; one submission).

gnomAD v4.1: 8 of 1,609,378 alleles (0.0005%); highest among the groups gnomAD compares: Non-Finnish European, 0.00068%; no homozygotes.

Submission:

Women's Health and Genetics/Laboratory Corporation of America, LabCorp
Classification: Uncertain significance. Last evaluated: 2025-05-22. Review status: criteria provided, single submitter. Criteria: LabCorp Variant Classification Summary - May 2015. Collection method: clinical testing. Allele origin: germline.
Comment: Variant summary: ZNF292 c.2750T>C (p.Leu917Ser) results in a non-conservative amino acid change in the encoded protein sequence. Algorithms developed to predict the effect of missense changes on protein structure and function are either unavailable or do not agree on the potential impact of this missense change. The variant allele was found at a frequency of 8.2e-06 in 243798 control chromosomes. The available data on variant occurrences in the general population are insufficient to allow any conclusion about variant significance. To our knowledge, no occurrence of c.2750T>C in individuals affected with Autosomal Dominant Intellectual Developmental Disorder 64 and no experimental evidence demonstrating its impact on protein function have been reported. No submitters have cited clinical-significance assessments for this variant to ClinVar. Based on the evidence outlined above, the variant was classified as uncertain significance.

NM_015021.3(ZNF292):c.2750T>C (p.Leu917Ser)

Gene: ZNF292 (zinc finger protein 292; plus strand). Cytogenetic location: 6q14.3.
Variant type: single nucleotide variant.
Coding change: c.2750T>C on transcript NM_015021.3 (MANE Select); coding-DNA position 2750, T replaced by C.
Protein change: p.Leu917Ser; replaces leucine 917 with serine.
Molecular consequence: missense variant.
Genome position (GRCh38, 1-based): chr6:87,256,379, T>C. VCF-style: chr6-87256379-T-C. GRCh37 (hg19) VCF-style: chr6-87966097-T-C.
Other names: c.2330T>C, p.Leu777Ser (NM_001351444.2); short protein forms L777S, L917S.
Identifiers: ClinVar variation 3902763 (VCV003902763.1).
Genomic context (GRCh38, chr6:87,256,379, plus strand): 5'-CAGCTGTGACCAAACAAGACCAGATTTCTGCCTCTGAGCTCAGGCAAGCTAATGGACCAT[T>C]GTCAAATGGTTTGGAAAACCCTGCTACTACTCCTCTACTTCAATCCAGTGAAGTAGCTGT-3'
Protein context (NP_055836.1, residues 907-927): ASELRQANGP[Leu917Ser]SNGLENPATT